The following is an entry in ClinVar:

NM_004260.4(RECQL4):c.499C>T (p.Pro167Ser)

Gene: RECQL4 (RecQ like helicase 4; minus strand). Cytogenetic location: 8q24.3.
Variant type: single nucleotide variant.
Coding change: c.499C>T on transcript NM_004260.4 (MANE Select); coding-DNA position 499, C replaced by T.
Protein change: p.Pro167Ser; replaces proline 167 with serine.
Molecular consequence: missense variant.
Genome position (GRCh38, 1-based): chr8:144,516,620, G>A on the plus strand (C>T on the coding strand, the complement: RECQL4 is on the minus strand). VCF-style: chr8-144516620-G-A. GRCh37 (hg19) VCF-style: chr8-145742004-G-A.
Other names: c.499C>T (NM_004260.3); short protein forms P167S.
Identifiers: ClinVar variation 1041117 (VCV001041117.7), dbSNP rs1312949637, ClinGen allele CA372691241.

ClinVar aggregate classification (germline): Uncertain significance. Review status: criteria provided, multiple submitters, no conflicts (2 of 4 stars). 2 submissions from 2 submitters: Uncertain significance (2). Last evaluated 2025-07-18.

Conditions:
Rapadilino syndrome. Identifiers: Orphanet 3021, MedGen C1849453, MONDO:0009955, OMIM 266280.
Baller-Gerold syndrome (BGS). Also called: CRANIOSYNOSTOSIS WITH RADIAL DEFECTS. Identifiers: Orphanet 1225, MedGen C0265308, MONDO:0009039, OMIM 218600.
Rothmund-Thomson syndrome (RTS). Also called: Poikiloderma of Rothmund-Thomson; Poikiloderma Congenitale. Identifiers: Orphanet 2909, MedGen C0032339, MONDO:0010002.
Inborn genetic diseases. Identifiers: MedGen C0950123, MeSH D030342.

Allele frequency attached by ClinVar (database versions not stated): TOPMed below 0.00001.

Submissions (2):

Ambry Genetics
Classification: Uncertain significance for Inborn genetic diseases. Last evaluated: 2025-07-18. Review status: criteria provided, single submitter. Criteria: Ambry Variant Classification Scheme 2023. Collection method: clinical testing. Allele origin: germline.
Comment: The p.P167S variant (also known as c.499C>T), located in coding exon 5 of the RECQL4 gene, results from a C to T substitution at nucleotide position 499. The proline at codon 167 is replaced by serine, an amino acid with similar properties. This amino acid position is conserved. In addition, this alteration is predicted to be tolerated by in silico analysis. Based on the available evidence, the clinical significance of this variant remains unclear.

Labcorp Genetics (formerly Invitae), Labcorp
Classification: Uncertain significance for Baller-Gerold syndrome. Last evaluated: 2022-09-14. Review status: criteria provided, single submitter. Criteria: Invitae Variant Classification Sherloc (09022015). Collection method: clinical testing. Allele origin: germline.
Comment: This sequence change replaces proline, which is neutral and non-polar, with serine, which is neutral and polar, at codon 167 of the RECQL4 protein (p.Pro167Ser). This variant is present in population databases (no rsID available, gnomAD 0.007%). This variant has not been reported in the literature in individuals affected with RECQL4-related conditions. ClinVar contains an entry for this variant (Variation ID: 1041117). Experimental studies and prediction algorithms are not available or were not evaluated, and the functional significance of this variant is currently unknown. In summary, the available evidence is currently insufficient to determine the role of this variant in disease. Therefore, it has been classified as a Variant of Uncertain Significance.